The following is an entry in ClinVar:

NM_006015.6(ARID1A):c.6420dup (p.Phe2141fs)

Gene: ARID1A (AT-rich interaction domain 1A; plus strand). Cytogenetic location: 1p36.11.
Variant type: Duplication.
Coding change: c.6420dup on transcript NM_006015.6 (MANE Select); coding-DNA position 6420, one base duplicated (C; older notation c.6420dupC).
Protein change: p.Phe2141fs; shifts the reading frame from phenylalanine 2141.
Molecular consequence: frameshift variant.
Genome position (GRCh38, 1-based): chr1:26,780,318, C duplicated; the last of 6 consecutive C bases (chr1:26,780,313-26,780,318); duplicating any one gives the same sequence. VCF-style (leftmost placement, unchanged base first): chr1-26780312-A-AC. GRCh37 (hg19) VCF-style: chr1-27106803-A-AC.
Other names: c.5769dup, p.Phe1924fs (NM_139135.4); short protein forms F1924fs, F2141fs.
Identifiers: ClinVar variation 4530194 (VCV004530194.1).

ClinVar aggregate classification (somatic clinical impact): Tier II - Potential (1 of 4 stars; one submission).

Conditions:
Medulloblastoma non-WNT/non-SHH group 3. Identifiers: MedGen C4330665, MONDO:0956966.

Submission:

Institute for Genomic Medicine (IGM) Clinical Laboratory, Nationwide Children's Hospital
Classification: Tier II - Potential for Medulloblastoma non-WNT/non-SHH group 3. Assertion type: diagnostic. Clinical significance: supports diagnosis. Last evaluated: 2023-02-04. Review status: criteria provided, single submitter. Criteria: AMP/ASCO/CAP Guidelines, 2017. Collection method: clinical testing. Allele origin: somatic. Affected: yes.
Comment: Variant has Tier II (potential) clinical significance as a diagnostic inclusion criterion in medulloblastoma non-WNT/non-SHH group 3, based on the following evidence: 1) Documented in one or more cancer databases (e.g., St. Jude Pecan, COSMIC, CIViC, OncoKB). 2) Diagnostic significance based on multiple small studies (Evidence Level C; PMIDs: 21163964, 28726821, 22009941).

Literature cited by the submitters: PubMed 21163964; PubMed 28726821; PubMed 22009941.